The following is an entry in ClinVar:

NM_007347.5(AP4E1):c.1239G>A (p.Met413Ile)

Gene: AP4E1 (adaptor related protein complex 4 subunit epsilon 1; plus strand). Cytogenetic location: 15q21.2.
Variant type: single nucleotide variant.
Coding change: c.1239G>A on transcript NM_007347.5 (MANE Select); coding-DNA position 1239, G replaced by A.
Protein change: p.Met413Ile; replaces methionine 413 with isoleucine.
Molecular consequence: missense variant.
Genome position (GRCh38, 1-based): chr15:50,948,082, G>A. VCF-style: chr15-50948082-G-A. GRCh37 (hg19) VCF-style: chr15-51240279-G-A.
Other names: c.1014G>A, p.Met338Ile (NM_001252127.2); short protein forms M338I, M413I.
Identifiers: ClinVar variation 1908673 (VCV001908673.5), dbSNP rs2504761375, ClinGen allele CA392417222.

ClinVar aggregate classification (germline): Uncertain significance (1 of 4 stars; one submission).

Conditions:
Spastic paraplegia. Identifiers: MedGen C0037772, HP:0001258.

Submission:

Labcorp Genetics (formerly Invitae), Labcorp
Classification: Uncertain significance for Spastic paraplegia. Last evaluated: 2022-07-26. Review status: criteria provided, single submitter. Criteria: Invitae Variant Classification Sherloc (09022015). Collection method: clinical testing. Allele origin: germline.
Comment: In summary, the available evidence is currently insufficient to determine the role of this variant in disease. Therefore, it has been classified as a Variant of Uncertain Significance. Algorithms developed to predict the effect of missense changes on protein structure and function are either unavailable or do not agree on the potential impact of this missense change (SIFT: "Deleterious"; PolyPhen-2: "Probably Damaging"; Align-GVGD: "Class C0"). This variant has not been reported in the literature in individuals affected with AP4E1-related conditions. This variant is not present in population databases (gnomAD no frequency). This sequence change replaces methionine, which is neutral and non-polar, with isoleucine, which is neutral and non-polar, at codon 413 of the AP4E1 protein (p.Met413Ile).